The following is an entry in ClinVar:

ClinVar aggregate classification (germline): Likely pathogenic (1 of 4 stars; one submission).

Allele frequency attached by ClinVar (database versions not stated): TOPMed below 0.00001; gnomAD 0.00001.
gnomAD v4.1: 1 of 1,612,086 alleles (0.000062%); highest among the groups gnomAD compares: Non-Finnish European, 0.000085%; no homozygotes.

Submission:

Labcorp Genetics (formerly Invitae), Labcorp
Classification: Likely pathogenic. Last evaluated: 2024-01-08. Review status: criteria provided, single submitter. Criteria: Invitae Variant Classification Sherloc (09022015). Collection method: clinical testing. Allele origin: germline.
Comment: This sequence change affects a donor splice site in intron 7 of the PLCE1 gene. It is expected to disrupt RNA splicing. Variants that disrupt the donor or acceptor splice site typically lead to a loss of protein function (PMID: 16199547), and loss-of-function variants in PLCE1 are known to be pathogenic (PMID: 17086182, 20591883). This variant is not present in population databases (gnomAD no frequency). This variant has not been reported in the literature in individuals affected with PLCE1-related conditions. Algorithms developed to predict the effect of sequence changes on RNA splicing suggest that this variant may disrupt the consensus splice site. In summary, the currently available evidence indicates that the variant is pathogenic, but additional data are needed to prove that conclusively. Therefore, this variant has been classified as Likely Pathogenic.

Literature cited by the submitters: PubMed 16199547; PubMed 17086182; PubMed 20591883.

NM_016341.4(PLCE1):c.2420+1G>A

Gene: PLCE1 (phospholipase C epsilon 1; plus strand). Cytogenetic location: 10q23.33.
Variant type: single nucleotide variant.
Coding change: c.2420+1G>A on transcript NM_016341.4 (MANE Select); the canonical splice donor site of the intron after coding-DNA position 2420, G replaced by A.
Molecular consequence: splice donor variant.
Genome position (GRCh38, 1-based): chr10:94,236,121, G>A. VCF-style: chr10-94236121-G-A. GRCh37 (hg19) VCF-style: chr10-95995878-G-A.
Other names: c.2420+1G>A (NM_001288989.2); c.1496+1G>A (NM_001165979.2).
Identifiers: ClinVar variation 2708226 (VCV002708226.3), dbSNP rs1372872177, ClinGen allele CA377639848.